The following is an entry in ClinVar:

NM_145059.3(FCSK):c.2156-3T>C

Gene: FCSK (fucose kinase; plus strand). Cytogenetic location: 16q22.1.
Variant type: single nucleotide variant.
Coding change: c.2156-3T>C on transcript NM_145059.3 (MANE Select); 3 bases into the intron before coding-DNA position 2156, T replaced by C.
Molecular consequence: intron variant.
Genome position (GRCh38, 1-based): chr16:70,474,787, T>C. VCF-style: chr16-70474787-T-C. GRCh37 (hg19) VCF-style: chr16-70508690-T-C.
Identifiers: ClinVar variation 2152805 (VCV002152805.4), dbSNP rs773243082, ClinGen allele CA8143514.
Genomic context (GRCh38, chr16:70,474,787, plus strand): 5'-AGCTGCCCCAGAGCCAGGCTGGCAGCTTCTGTGACCAGCTTGAGTCTTGCCACACTGCCA[T>C]AGGGGGCTGGAGTGACACGCCACCCCTTGCCTATGAGCTTGGCGGGGCTGTGCTGGGCCT-3'

ClinVar aggregate classification (germline): Uncertain significance (1 of 4 stars; one submission).

Allele frequency attached by ClinVar (database versions not stated): gnomAD 0.00001; gnomAD exomes 0.00001; TOPMed 0.00001; ExAC 0.00003.
gnomAD v4.1: 18 of 1,567,652 alleles (0.0011%); highest among the groups gnomAD compares: Middle Eastern, 0.05%; no homozygotes.

Submission:

Labcorp Genetics (formerly Invitae), Labcorp
Classification: Uncertain significance. Last evaluated: 2024-03-15. Review status: criteria provided, single submitter. Criteria: Invitae Variant Classification Sherloc (09022015). Collection method: clinical testing. Allele origin: germline.
Comment: This sequence change falls in intron 17 of the FUK gene. It does not directly change the encoded amino acid sequence of the FUK protein. It affects a nucleotide within the consensus splice site. This variant is present in population databases (rs773243082, gnomAD 0.002%). This variant has not been reported in the literature in individuals affected with FUK-related conditions. ClinVar contains an entry for this variant (Variation ID: 2152805). Variants that disrupt the consensus splice site are a relatively common cause of aberrant splicing (PMID: 17576681, 9536098). Algorithms developed to predict the effect of sequence changes on RNA splicing suggest that this variant is not likely to affect RNA splicing. In summary, the available evidence is currently insufficient to determine the role of this variant in disease. Therefore, it has been classified as a Variant of Uncertain Significance.

Literature cited by the submitters: PubMed 17576681; PubMed 9536098.